The following is an entry in ClinVar:

NM_003900.5(SQSTM1):c.964C>T (p.Pro322Ser)

Gene: SQSTM1 (sequestosome 1; plus strand). Cytogenetic location: 5q35.3.
Variant type: single nucleotide variant.
Coding change: c.964C>T on transcript NM_003900.5 (MANE Select); coding-DNA position 964, C replaced by T.
Protein change: p.Pro322Ser; replaces proline 322 with serine.
Molecular consequence: missense variant.
Genome position (GRCh38, 1-based): chr5:179,833,241, C>T. VCF-style: chr5-179833241-C-T. GRCh37 (hg19) VCF-style: chr5-179260241-C-T.
Other names: c.712C>T, p.Pro238Ser (NM_001142298.2, NM_001142299.2); c.964C>T (NM_003900.4); short protein forms P238S, P322S.
Identifiers: ClinVar variation 1433383 (VCV001433383.9), dbSNP rs1225559170, ClinGen allele CA362452192.

ClinVar aggregate classification (germline): Uncertain significance. Review status: criteria provided, multiple submitters, no conflicts (2 of 4 stars). 2 submissions from 2 submitters: Uncertain significance (2). Last evaluated 2026-09-12.

Conditions:
Frontotemporal dementia and/or amyotrophic lateral sclerosis 1 (FTDALS1). Also called: C9orf72 Frontotemporal Dementia and/or Amyotrophic Lateral Sclerosis; Frontotemporal dementia with motor neuron disease 1. Identifiers: Orphanet 275872, MedGen C5779877, MONDO:0007105, OMIM 105550.
Paget disease of bone 2, early-onset (PDB2). Also called: Paget disease of bone 2. Identifiers: MedGen C4085251, MONDO:0011183, OMIM 602080.
SQSTM1-related disorder. Also called: SQSTM1-Related Disorders.

Allele frequency attached by ClinVar (database versions not stated): TOPMed below 0.00001; gnomAD 0.00001.

Submissions (2):

PreventionGenetics, part of Exact Sciences
Classification: Uncertain significance for SQSTM1-related condition. Last evaluated: 2026-09-12. Review status: criteria provided, single submitter. Criteria: ACMG Guidelines, 2015. Collection method: clinical testing. Allele origin: germline.
Comment: The SQSTM1 c.964C>T variant is predicted to result in the amino acid substitution p.Pro322Ser. To our knowledge, this variant has not been reported in the literature. This variant is reported in 0.0% of alleles in individuals of African descent in gnomAD. At this time, the clinical significance of this variant is uncertain due to the absence of conclusive functional and genetic evidence.

Labcorp Genetics (formerly Invitae), Labcorp
Classification: Uncertain significance for Paget disease of bone 2, early-onset; Frontotemporal dementia and/or amyotrophic lateral sclerosis 1. Last evaluated: 2022-02-28. Review status: criteria provided, single submitter. Criteria: Invitae Variant Classification Sherloc (09022015). Collection method: clinical testing. Allele origin: germline.
Comment: This sequence change replaces proline, which is neutral and non-polar, with serine, which is neutral and polar, at codon 322 of the SQSTM1 protein (p.Pro322Ser). The frequency data for this variant in the population databases is considered unreliable, as metrics indicate poor data quality at this position in the gnomAD database. In summary, the available evidence is currently insufficient to determine the role of this variant in disease. Therefore, it has been classified as a Variant of Uncertain Significance. Algorithms developed to predict the effect of missense changes on protein structure and function output the following: SIFT: "Tolerated"; PolyPhen-2: "Benign"; Align-GVGD: "Class C0". The serine amino acid residue is found in multiple mammalian species, which suggests that this missense change does not adversely affect protein function. This variant has not been reported in the literature in individuals affected with SQSTM1-related conditions.